The following is an entry in ClinVar:

ClinVar aggregate classification (germline): Uncertain significance (1 of 4 stars; one submission).

Conditions:
Norman-Roberts syndrome (LIS2). Also called: Lissencephaly 2 (Norman-Roberts type). Identifiers: Orphanet 89844, MedGen C0796089, MONDO:0009760, OMIM 257320.
Familial temporal lobe epilepsy 7. Identifiers: Orphanet 101046, MedGen C4225327, MONDO:0014639, OMIM 616436.

Allele frequency attached by ClinVar (database versions not stated): gnomAD exomes below 0.00001.
gnomAD v4.1: 3 of 1,613,346 alleles (0.00019%); highest among the groups gnomAD compares: African/African-American, 0.0013%; no homozygotes.

Submission:

Labcorp Genetics (formerly Invitae), Labcorp
Classification: Uncertain significance for Familial temporal lobe epilepsy 7; Norman-Roberts syndrome. Last evaluated: 2022-09-27. Review status: criteria provided, single submitter. Criteria: Invitae Variant Classification Sherloc (09022015). Collection method: clinical testing. Allele origin: germline.
Comment: In summary, the available evidence is currently insufficient to determine the role of this variant in disease. Therefore, it has been classified as a Variant of Uncertain Significance. Advanced modeling of protein sequence and biophysical properties (such as structural, functional, and spatial information, amino acid conservation, physicochemical variation, residue mobility, and thermodynamic stability) performed at Invitae indicates that this missense variant is not expected to disrupt RELN protein function. This variant has not been reported in the literature in individuals affected with RELN-related conditions. This variant is not present in population databases (gnomAD no frequency). This sequence change replaces methionine, which is neutral and non-polar, with valine, which is neutral and non-polar, at codon 861 of the RELN protein (p.Met861Val).

NM_005045.4(RELN):c.2581A>G (p.Met861Val)

Gene: RELN (reelin; minus strand). Cytogenetic location: 7q22.1.
Variant type: single nucleotide variant.
Coding change: c.2581A>G on transcript NM_005045.4 (MANE Select); coding-DNA position 2581, A replaced by G.
Protein change: p.Met861Val; replaces methionine 861 with valine.
Molecular consequence: missense variant.
Genome position (GRCh38, 1-based): chr7:103,630,061, T>C on the plus strand (A>G on the coding strand, the complement: RELN is on the minus strand). VCF-style: chr7-103630061-T-C. GRCh37 (hg19) VCF-style: chr7-103270508-T-C.
Other names: c.2581A>G, p.Met861Val (NM_173054.3); short protein forms M861V.
Identifiers: ClinVar variation 2062652 (VCV002062652.4), dbSNP rs2484788514, ClinGen allele CA368758518.